The following is an entry in ClinVar:

ClinVar aggregate classification (germline): Conflicting classifications of pathogenicity. Review status: criteria provided, conflicting classifications (1 of 4 stars). 2 submissions from 2 submitters: Likely pathogenic (1); Uncertain significance (1). Last evaluated 2026-09-29.

Conditions:
Tumor predisposition syndrome 2 (TPDS2). Also called: MBD4-associated neoplasia syndrome (MANS); MBD4-Related Tumor Predisposition Syndrome; MBD4-ASSOCIATED NEOPLASIA SYNDROME. Identifiers: Orphanet 661526, MedGen C5774186, MONDO:0859267, OMIM 619975.

Submissions (2):

Myriad Genetics, Inc.
Classification: Likely pathogenic for Tumor predisposition syndrome 2. Last evaluated: 2026-09-29. Review status: criteria provided, single submitter. Criteria: Myriad Autosomal Dominant, Autosomal Recessive and X-Linked Classification Criteria (2023). Collection method: clinical testing. Allele origin: unknown.
Comment: This variant is considered likely pathogenic. This variant occurs within a consensus splice junction and is predicted to result in abnormal mRNA splicing of either an out-of-frame exon or an in-frame exon necessary for protein stability and/or normal function.

CeGaT Center for Human Genetics Tuebingen
Classification: Uncertain significance. Last evaluated: 2024-03-01. Review status: criteria provided, single submitter. Criteria: CeGaT Center For Human Genetics Tuebingen Variant Classification Criteria Version 2. Collection method: clinical testing. Allele origin: germline. Affected: yes. Observed: 1 variant allele.
Comment: MBD4: PM2

NM_001276270.2(MBD4):c.336-1G>A

Gene: MBD4 (methyl-CpG binding domain 4, DNA glycosylase; minus strand). Cytogenetic location: 3q21.3.
Variant type: single nucleotide variant.
Coding change: c.336-1G>A on transcript NM_001276270.2 (MANE Select); the canonical splice acceptor site of the intron before coding-DNA position 336, G replaced by A.
Molecular consequence: splice acceptor variant. On other transcripts: intron variant (1).
Genome position (GRCh38, 1-based): chr3:129,437,309, C>T on the plus strand (G>A on the coding strand, the complement: MBD4 is on the minus strand). VCF-style: chr3-129437309-C-T. GRCh37 (hg19) VCF-style: chr3-129156152-C-T.
Other names: c.247+499G>A (NM_001276273.2); c.336-1G>A (NM_001276272.2, NM_003925.3, NM_001276271.2).
Identifiers: ClinVar variation 3067652 (VCV003067652.21), dbSNP rs2530724473, ClinGen allele CA354468273.